The following is an entry in ClinVar:

NM_000393.5(COL5A2):c.3739C>A (p.Pro1247Thr)

Gene: COL5A2 (collagen type V alpha 2 chain; minus strand). Cytogenetic location: 2q32.2.
Variant type: single nucleotide variant.
Coding change: c.3739C>A on transcript NM_000393.5 (MANE Select); coding-DNA position 3739, C replaced by A.
Protein change: p.Pro1247Thr; replaces proline 1247 with threonine.
Molecular consequence: missense variant.
Genome position (GRCh38, 1-based): chr2:189,039,458, G>T on the plus strand (C>A on the coding strand, the complement: COL5A2 is on the minus strand). VCF-style: chr2-189039458-G-T. GRCh37 (hg19) VCF-style: chr2-189904184-G-T.
Other names: short protein forms P1247T.
Identifiers: ClinVar variation 956720 (VCV000956720.14), dbSNP rs1243023432, ClinGen allele CA349857908.

ClinVar aggregate classification (germline): Uncertain significance. Review status: criteria provided, multiple submitters, no conflicts (2 of 4 stars). 3 submissions from 3 submitters: Uncertain significance (3). Last evaluated 2024-08-23.

Conditions:
Familial thoracic aortic aneurysm and aortic dissection (TAAD). Also called: Thoracic aortic aneurysms and dissections. Identifiers: Orphanet 91387, MedGen C4707243, MONDO:0019625.
Ehlers-Danlos syndrome, classic type, 1 (EDSCL1). Also called: Ehlers-Danlos syndrome, type 1; EHLERS-DANLOS SYNDROME, GRAVIS TYPE; EHLERS-DANLOS SYNDROME, SEVERE CLASSIC TYPE; EDS I; Ehlers-Danlos Syndrome, Classic Type, COL5A1-Related. Identifiers: MedGen C0268335, MONDO:0019567, OMIM 130000.

Allele frequency attached by ClinVar (database versions not stated): gnomAD 0.00002; gnomAD exomes below 0.00001; TOPMed 0.00002.
gnomAD v4.1: 6 of 1,613,960 alleles (0.00037%); highest among the groups gnomAD compares: Non-Finnish European, 0.00051%; no homozygotes.

Submissions (3):

GeneDx
Classification: Uncertain significance. Last evaluated: 2024-08-23. Review status: criteria provided, single submitter. Criteria: GeneDx Variant Classification Process June 2021. Collection method: clinical testing. Allele origin: germline. Affected: yes.
Comment: Not observed at significant frequency in large population cohorts (gnomAD); In silico analysis supports that this missense variant has a deleterious effect on protein structure/function; Has not been previously published as pathogenic or benign to our knowledge

Labcorp Genetics (formerly Invitae), Labcorp
Classification: Uncertain significance for Ehlers-Danlos syndrome, classic type, 1. Last evaluated: 2023-07-27. Review status: criteria provided, single submitter. Criteria: Invitae Variant Classification Sherloc (09022015). Collection method: clinical testing. Allele origin: germline.
Comment: In summary, the available evidence is currently insufficient to determine the role of this variant in disease. Therefore, it has been classified as a Variant of Uncertain Significance. Advanced modeling of protein sequence and biophysical properties (such as structural, functional, and spatial information, amino acid conservation, physicochemical variation, residue mobility, and thermodynamic stability) performed at Invitae indicates that this missense variant is not expected to disrupt COL5A2 protein function. ClinVar contains an entry for this variant (Variation ID: 956720). This variant has not been reported in the literature in individuals affected with COL5A2-related conditions. This variant is not present in population databases (gnomAD no frequency). This sequence change replaces proline, which is neutral and non-polar, with threonine, which is neutral and polar, at codon 1247 of the COL5A2 protein (p.Pro1247Thr).

Ambry Genetics
Classification: Uncertain significance for Familial thoracic aortic aneurysm and aortic dissection. Last evaluated: 2021-03-15. Review status: criteria provided, single submitter. Criteria: Ambry Variant Classification Scheme 2023. Collection method: clinical testing. Allele origin: germline.
Comment: The p.P1247T variant (also known as c.3739C>A), located in coding exon 51 of the COL5A2 gene, results from a C to A substitution at nucleotide position 3739. The proline at codon 1247 is replaced by threonine, an amino acid with highly similar properties. This amino acid position is well conserved in available vertebrate species. In addition, the in silico prediction for this alteration is inconclusive. Since supporting evidence is limited at this time, the clinical significance of this alteration remains unclear.